The following is an entry in ClinVar:

ClinVar aggregate classification (germline): Likely benign (1 of 4 stars; one submission).

Allele frequency attached by ClinVar (database versions not stated): gnomAD exomes below 0.00001.
gnomAD v4.1: 1 of 1,613,556 alleles (0.000062%); highest among the groups gnomAD compares: Non-Finnish European, 0.000085%; no homozygotes.

Submission:

CeGaT Center for Human Genetics Tuebingen
Classification: Likely benign. Last evaluated: 2022-10-01. Review status: criteria provided, single submitter. Criteria: CeGaT Center For Human Genetics Tuebingen Variant Classification Criteria Version 2. Collection method: clinical testing. Allele origin: germline. Affected: yes. Observed: 1 variant allele.
Comment: ITGA11: PM2:Supporting, BP4, BP7

NM_001004439.2(ITGA11):c.2949G>T (p.Gly983=)

Gene: ITGA11 (integrin subunit alpha 11; minus strand). Cytogenetic location: 15q23.
Variant type: single nucleotide variant.
Coding change: c.2949G>T on transcript NM_001004439.2 (MANE Select); coding-DNA position 2949, G replaced by T.
Protein change: p.Gly983=; no amino-acid change (glycine 983 retained).
Molecular consequence: synonymous variant.
Genome position (GRCh38, 1-based): chr15:68,312,797, C>A on the plus strand (G>T on the coding strand, the complement: ITGA11 is on the minus strand). VCF-style: chr15-68312797-C-A. GRCh37 (hg19) VCF-style: chr15-68605135-C-A.
Identifiers: ClinVar variation 2645486 (VCV002645486.24), dbSNP rs2505547263, ClinGen allele CA490929738.